The following is an entry in ClinVar:

NM_181552.4(CUX1):c.457C>G (p.Leu153Val)

Gene: CUX1 (cut like homeobox 1; plus strand). Cytogenetic location: 7q22.1.
Variant type: single nucleotide variant.
Coding change: c.457C>G on transcript NM_181552.4 (MANE Select); coding-DNA position 457, C replaced by G.
Protein change: p.Leu153Val; replaces leucine 153 with valine.
Molecular consequence: missense variant.
Genome position (GRCh38, 1-based): chr7:102,104,386, C>G. VCF-style: chr7-102104386-C-G. GRCh37 (hg19) VCF-style: chr7-101747666-C-G.
Other names: c.490C>G, p.Leu164Val (NM_001202543.2, NM_001913.5, NM_181500.4); c.442C>G, p.Leu148Val (NM_001202544.3); c.352C>G, p.Leu118Val (NM_001202545.3); c.379C>G, p.Leu127Val (NM_001202546.3); short protein forms L118V, L127V, L148V, L153V, L164V.
Identifiers: ClinVar variation 2431475 (VCV002431475.1), dbSNP rs2536730692, ClinGen allele CA368664876.

ClinVar aggregate classification (germline): Uncertain significance (1 of 4 stars; one submission).

Conditions:
Global developmental delay with or without impaired intellectual development. Identifiers: MedGen C5193032, MONDO:0032680, OMIM 618330.

Submission:

Laboratorio de Genetica e Diagnostico Molecular, Hospital Israelita Albert Einstein
Classification: Uncertain significance for Global developmental delay with or without impaired intellectual development. Last evaluated: 2022-09-28. Review status: criteria provided, single submitter. Criteria: ACMG Guidelines, 2015. Collection method: clinical testing. Allele origin: germline. Affected: yes. Observed: 1 variant allele.
Comment: ACMG classification criteria: PM2 moderated, PP2 supporting, BP4 supporting